The following is an entry in ClinVar:

NM_001277.3(CHKA):c.14dup (p.Cys6fs)

Gene: CHKA (choline kinase alpha; minus strand). Cytogenetic location: 11q13.2.
Variant type: Duplication.
Coding change: c.14dup on transcript NM_001277.3 (MANE Select); coding-DNA position 14, one base duplicated (T; older notation c.14dupT).
Protein change: p.Cys6fs; shifts the reading frame from cysteine 6.
Molecular consequence: frameshift variant. On other transcripts: 5 prime UTR variant (2), non-coding transcript variant (1).
Genome position (GRCh38, 1-based): chr11:68,121,164, A duplicated on the plus strand (T on the coding strand, the reverse complement: CHKA is on the minus strand); the first of 2 consecutive A bases (chr11:68,121,164-68,121,165); duplicating either gives the same sequence. VCF-style (leftmost placement, unchanged base first): chr11-68121163-G-GA. GRCh37 (hg19) VCF-style: chr11-67888630-G-GA.
Other names: c.14dup, p.Cys6fs (NM_001376219.1, NM_001376220.1, NM_212469.2); c.-351dup (NM_001376221.1, NM_001376222.1); short protein forms C6fs.
Identifiers: ClinVar variation 1325847 (VCV001325847.5), dbSNP rs2153034844, ClinGen allele CA2573053554.

ClinVar aggregate classification (germline): Likely pathogenic. Review status: criteria provided, single submitter (1 of 4 stars). 3 submissions from 2 submitters: Likely pathogenic (2). 1 of the submissions does not count toward it. Last evaluated 2024-08-08.

Conditions:
Microcephaly. Also called: Microcephaly (disease). Identifiers: MedGen C4551563, MONDO:0001149, HP:0000252.
Severe intellectual disability. Identifiers: MedGen C0036857, HP:0010864.
Seizure. Also called: Seizures. Identifiers: MedGen C0036572, HP:0001250.
Neurodevelopmental disorder with microcephaly, movement abnormalities, and seizures (NEDMIMS). Identifiers: MedGen C5774208, MONDO:0859282, OMIM 620023.

Submissions (3):

Institute of Human Genetics, University of Leipzig Medical Center
Classification: Likely pathogenic for Neurodevelopmental disorder with microcephaly, movement abnormalities, and seizures. Last evaluated: 2024-08-08. Review status: criteria provided, single submitter. Criteria: ACMG Guidelines, 2015. Collection method: clinical testing. Allele origin: paternal. Inheritance: Autosomal recessive inheritance. Affected: yes.
Comment: Criteria applied: PVS1_STR,PM2; Identified as compund heterozygous with NM_001277.3:c.1021T>C

Institute of Human Genetics, University of Leipzig Medical Center
Classification: Likely pathogenic for Severe intellectual disability; Seizure; Microcephaly. Last evaluated: 2021-10-15. Review status: criteria provided, single submitter. Criteria: ACMG Guidelines, 2015. Collection method: research. Allele origin: germline. Affected: yes.
Comment: Criteria applied: PVS1, PM2_Supporting

OMIM
Classification: Pathogenic for NEURODEVELOPMENTAL DISORDER WITH MICROCEPHALY, MOVEMENT ABNORMALITIES, AND SEIZURES. Last evaluated: 2022-09-01. Review status: no assertion criteria provided. Collection method: literature only. Allele origin: germline. Not counted in ClinVar's aggregate classification.

Literature cited by the submitters: DOI 10.1101/2021.10.21.21265050 (cited by Institute of Human Genetics, University of Leipzig Medical Center); PubMed 35202461 (cited by OMIM).